The following is an entry in ClinVar:

ClinVar aggregate classification (germline): Uncertain significance (1 of 4 stars; one submission).

Conditions:
Catecholaminergic polymorphic ventricular tachycardia 1. Also called: VENTRICULAR TACHYCARDIA, STRESS-INDUCED POLYMORPHIC 1; RYR2-Related Catecholaminergic Polymorphic Ventricular Tachycardia; VENTRICULAR TACHYCARDIA, CATECHOLAMINERGIC POLYMORPHIC, 1, WITH OR WITHOUT ATRIAL DYSFUNCTION AND/OR DILATED CARDIOMYOPATHY. Identifiers: Orphanet 3286, MedGen C1631597, MONDO:0011484, OMIM 604772.

Submission:

Labcorp Genetics (formerly Invitae), Labcorp
Classification: Uncertain significance for Catecholaminergic polymorphic ventricular tachycardia 1. Last evaluated: 2025-05-27. Review status: criteria provided, single submitter. Criteria: Invitae Variant Classification Sherloc (09022015). Collection method: clinical testing. Allele origin: germline.
Comment: This sequence change replaces threonine, which is neutral and polar, with serine, which is neutral and polar, at codon 3186 of the RYR2 protein (p.Thr3186Ser). This variant is not present in population databases (gnomAD no frequency). This variant has not been reported in the literature in individuals affected with RYR2-related conditions. Invitae Evidence Modeling of protein sequence and biophysical properties (such as structural, functional, and spatial information, amino acid conservation, physicochemical variation, residue mobility, and thermodynamic stability) indicates that this missense variant is not expected to disrupt RYR2 protein function with a negative predictive value of 95%. In summary, the available evidence is currently insufficient to determine the role of this variant in disease. Therefore, it has been classified as a Variant of Uncertain Significance.

NM_001035.3(RYR2):c.9557C>G (p.Thr3186Ser)

Gene: RYR2 (ryanodine receptor 2; plus strand). Cytogenetic location: 1q43.
Variant type: single nucleotide variant.
Coding change: c.9557C>G on transcript NM_001035.3 (MANE Select); coding-DNA position 9557, C replaced by G.
Protein change: p.Thr3186Ser; replaces threonine 3186 with serine.
Molecular consequence: missense variant.
Genome position (GRCh38, 1-based): chr1:237,705,320, C>G. VCF-style: chr1-237705320-C-G. GRCh37 (hg19) VCF-style: chr1-237868620-C-G.
Other names: short protein forms T3186S.
Identifiers: ClinVar variation 4769871 (VCV004769871.1).